The following is an entry in ClinVar:

ClinVar aggregate classification (germline): Uncertain significance. Review status: criteria provided, single submitter (1 of 4 stars). 2 submissions from 2 submitters: Uncertain significance (1). 1 of the submissions does not count toward it. Last evaluated 2025-10-25.

Conditions:
Blau syndrome (BLAUS). Also called: ARTHROCUTANEOUVEAL GRANULOMATOSIS; GRANULOMATOSIS, FAMILIAL JUVENILE SYSTEMIC; GRANULOMATOSIS, FAMILIAL, BLAU TYPE; GRANULOMATOUS INFLAMMATORY ARTHRITIS, DERMATITIS, AND UVEITIS, FAMILIAL; JABS SYNDROME. Identifiers: Orphanet 90340, MedGen C5201146, MONDO:0008523, OMIM 186580.
Regional enteritis. Also called: Enteritis, Granulomatous. Identifiers: MedGen C0678202, MeSH D003424.

Allele frequency attached by ClinVar (database versions not stated): TOPMed 0.00001; ExAC 0.00002; gnomAD exomes 0.00002.

Submissions (2):

Labcorp Genetics (formerly Invitae), Labcorp
Classification: Uncertain significance for Regional enteritis; Blau syndrome. Last evaluated: 2025-10-25. Review status: criteria provided, single submitter. Criteria: Invitae Variant Classification Sherloc (09022015). Collection method: clinical testing. Allele origin: germline.
Comment: This sequence change replaces alanine, which is neutral and non-polar, with valine, which is neutral and non-polar, at codon 612 of the NOD2 protein (p.Ala612Val). This variant is present in population databases (rs104895439, gnomAD 0.004%). This missense change has been observed in individual(s) with Crohn's disease (PMID: 11385576, 11875755). This variant is also known as A585V. ClinVar contains an entry for this variant (Variation ID: 97841). Invitae Evidence Modeling of protein sequence and biophysical properties (such as structural, functional, and spatial information, amino acid conservation, physicochemical variation, residue mobility, and thermodynamic stability) has been performed for this missense variant. However, the output from this modeling did not meet the statistical confidence thresholds required to predict the impact of this variant on NOD2 protein function. Experimental studies have shown that this missense change affects NOD2 function (PMID: 12626759). In summary, the available evidence is currently insufficient to determine the role of this variant in disease. Therefore, it has been classified as a Variant of Uncertain Significance.

Unité médicale des maladies autoinflammatoires, CHRU Montpellier
No classification provided. Condition: Sarcoidosis, early-onset. Review status: no classification provided. Collection method: not provided. Allele origin: unknown. Not counted in ClinVar's aggregate classification.
Comment: also involved in OMIM 186580 and 266600

Literature cited by the submitters: PubMed 11385576 (cited by Labcorp Genetics (formerly Invitae), Labcorp); PubMed 11875755 (cited by Labcorp Genetics (formerly Invitae), Labcorp); PubMed 12626759 (cited by Labcorp Genetics (formerly Invitae), Labcorp).

NM_001370466.1(NOD2):c.1754C>T (p.Ala585Val)

Gene: NOD2 (nucleotide binding oligomerization domain containing 2; plus strand). Cytogenetic location: 16q12.1.
Variant type: single nucleotide variant.
Coding change: c.1754C>T on transcript NM_001370466.1 (MANE Select); coding-DNA position 1754, C replaced by T.
Protein change: p.Ala585Val; replaces alanine 585 with valine.
Molecular consequence: missense variant. On other transcripts: non-coding transcript variant (1).
Genome position (GRCh38, 1-based): chr16:50,711,746, C>T. VCF-style: chr16-50711746-C-T. GRCh37 (hg19) VCF-style: chr16-50745657-C-T.
Other names: c.1835C>T (LRG_177t1); c.1754C>T, p.Ala585Val (NM_001293557.2); c.1835C>T, p.Ala612Val (NM_022162.3); short protein forms A612V, A585V.
Identifiers: ClinVar variation 97841 (VCV000097841.7), dbSNP rs104895439, ClinGen allele CA150236.